The following is an entry in ClinVar:

ClinVar aggregate classification (germline): Uncertain significance (1 of 4 stars; one submission).

Allele frequency attached by ClinVar (database versions not stated): ExAC 0.00001.
gnomAD v4.1: 1 of 1,571,866 alleles (0.000064%); highest among the groups gnomAD compares: Non-Finnish European, 0.000088%; no homozygotes.

Submission:

GeneDx
Classification: Uncertain significance. Last evaluated: 2023-05-08. Review status: criteria provided, single submitter. Criteria: GeneDx Variant Classification Process June 2021. Collection method: clinical testing. Allele origin: germline. Affected: yes.
Comment: Not observed at significant frequency in large population cohorts (gnomAD); In silico analysis supports that this missense variant does not alter protein structure/function; Has not been previously published as pathogenic or benign to our knowledge

NM_006445.4(PRPF8):c.866A>G (p.Gln289Arg)

Gene: PRPF8 (pre-mRNA processing factor 8; minus strand). Cytogenetic location: 17p13.3.
Variant type: single nucleotide variant.
Coding change: c.866A>G on transcript NM_006445.4 (MANE Select); coding-DNA position 866, A replaced by G.
Protein change: p.Gln289Arg; replaces glutamine 289 with arginine.
Molecular consequence: missense variant.
Genome position (GRCh38, 1-based): chr17:1,681,478, T>C on the plus strand (A>G on the coding strand, the complement: PRPF8 is on the minus strand). VCF-style: chr17-1681478-T-C. GRCh37 (hg19) VCF-style: chr17-1584772-T-C.
Other names: short protein forms Q289R.
Identifiers: ClinVar variation 2662201 (VCV002662201.1), dbSNP rs751815836, ClinGen allele CA8272539.